The following is an entry in ClinVar:

ClinVar aggregate classification (germline): Pathogenic (0 of 4 stars; one submission).

Conditions:
Steinert myotonic dystrophy syndrome (DM1). Also called: STEINERT DISEASE; Myotonic dystrophy type 1; Dystrophia myotonica type 1; Steinert myotonic dystrophy; Steinert's disease. Identifiers: Orphanet 273, MedGen C3250443, MONDO:0008056, OMIM 160900.

Submission:

Institute of Molecular, Cell and Systems Biology, University of Glasgow
Classification: Pathogenic for Steinert myotonic dystrophy syndrome. Review status: no assertion criteria provided. Criteria: research. Collection method: research. Allele origin: germline. Inheritance: Autosomal dominant inheritance. Affected: yes. Observed: 1 heterozygote.
Comment: DMPK CTG repeat expansions greater than approximately 45-50 repeats are assumed to be pathogenic

This record is based on data published in PubMed 25052313, which reports only ClinVar accessions SCV000120188 and SCV000120189. The complete data set includes SCV000207445 - SCV000207579.

Literature cited by the submitters: PubMed 1346923; PubMed 1546326; PubMed 25052313.

NM_004409.5(DMPK):c.*224CTG[236]

Genes: DM1-AS (DM1 locus antisense RNA; plus strand), DMPK (DM1 protein kinase; minus strand), LOC107075317 (origin of replication in DMPK trinucleotide repeat region; plus strand), LOC109461477 (dystrophia myotonica protein kinase repeat instability region; plus strand). Cytogenetic location: 19q13.32.
Variant type: Microsatellite.
Coding change: c.*224CTG[236] on transcript NM_004409.5 (MANE Select); 236 copies in a row of the 3-base unit CTG starting at c.*224.
Molecular consequence: 3 prime UTR variant.
Genome position: GRCh38, VCF-style position (the base before the change): chr19:45,770,204. GRCh37 (hg19), VCF-style position (the base before the change): chr19:46,273,462.
Other names: DM1 CTG repeat expansion; c.*217CTG[236] (NM_001288765.2, NM_001081562.3, NM_001424162.1 and 2 more transcripts); c.*224CTG[236] (NM_001081560.3, NM_001288764.2, NM_001424165.1 and 1 more transcripts); c.*222_*224TGC[236] (NM_001081563.3); c.*369CTG[236] (NM_001288766.2, NM_001424164.1, NM_001424168.1).
Identifiers: ClinVar variation 187943 (VCV000187943.1), ClinGen allele CA915951741.